The following is an entry in ClinVar:

ClinVar aggregate classification (germline): Uncertain significance (1 of 4 stars; one submission).

Conditions:
Hypertrophic cardiomyopathy. Also called: HYPERTROPHIC MYOCARDIOPATHY. Identifiers: Orphanet 217569, MedGen C0007194, MeSH D002312, MONDO:0005045, HP:0001639.

Submission:

Labcorp Genetics (formerly Invitae), Labcorp
Classification: Uncertain significance for Hypertrophic cardiomyopathy. Last evaluated: 2022-01-21. Review status: criteria provided, single submitter. Criteria: Invitae Variant Classification Sherloc (09022015). Collection method: clinical testing. Allele origin: germline.
Comment: This sequence change creates a premature translational stop signal (p.Asp159Thrfs*8) in the MYH7 gene. It is expected to result in an absent or disrupted protein product. However, the current clinical and genetic evidence is not sufficient to establish whether loss-of-function variants in MYH7 cause disease. This variant is not present in population databases (gnomAD no frequency). This variant has not been reported in the literature in individuals affected with MYH7-related conditions. In summary, the available evidence is currently insufficient to determine the role of this variant in disease. Therefore, it has been classified as a Variant of Uncertain Significance.

NM_000257.4(MYH7):c.474del (p.Asp159fs)

Gene: MYH7 (myosin heavy chain 7; minus strand). Cytogenetic location: 14q11.2.
Variant type: Deletion.
Coding change: c.474del on transcript NM_000257.4 (MANE Select); coding-DNA position 474, one base deleted (C; older notation c.474delC).
Protein change: p.Asp159fs; shifts the reading frame from aspartic acid 159.
Molecular consequence: frameshift variant.
Genome position (GRCh38, 1-based): chr14:23,432,667, G deleted on the plus strand (C on the coding strand, the reverse complement: MYH7 is on the minus strand); the first of 2 consecutive G bases (chr14:23,432,667-23,432,668); deleting either gives the same sequence. VCF-style (leftmost placement, unchanged base first): chr14-23432666-CG-C. GRCh37 (hg19) VCF-style: chr14-23901875-CG-C.
Other names: c.473delC, p.Asp159Thrfs (NM_001407004.1); short protein forms D159fs.
Identifiers: ClinVar variation 2088941 (VCV002088941.1), dbSNP rs2502317628, ClinGen allele CA2580088033.
Genomic context (GRCh38, chr14:23,432,666, plus strand): 5'-TCCCTTCAGGAAGACCCTTCCAGGGCCTCTCACCTGTCAGCATGTACTGATAGGCGTTGT[CG>C]GAGATGGAGAAGATGTGGGGCGGGGCCTCGCTCCTCTTCTTGCCCCGGTAGGCAGCCACC-3'